The following is an entry in ClinVar:

ClinVar aggregate classification (germline): Uncertain significance (1 of 4 stars; one submission).

Conditions:
Leber congenital amaurosis 8 (LCA8). Identifiers: Orphanet 65, MedGen C3151202, MONDO:0013453, OMIM 613835.
Retinitis pigmentosa 12 (RP12). Also called: RP WITH OR WITHOUT PRESERVED PARAARTERIOLE RETINAL PIGMENT EPITHELIUM; RETINITIS PIGMENTOSA WITH OR WITHOUT PARAARTERIOLAR PRESERVATION OF RETINAL PIGMENT EPITHELIUM; RP WITH OR WITHOUT PPRPE. Identifiers: Orphanet 791, MedGen C1838647, MONDO:0010818, OMIM 600105.

Submission:

Labcorp Genetics (formerly Invitae), Labcorp
Classification: Uncertain significance for Leber congenital amaurosis 8; Retinitis pigmentosa 12. Last evaluated: 2022-02-22. Review status: criteria provided, single submitter. Criteria: Invitae Variant Classification Sherloc (09022015). Collection method: clinical testing. Allele origin: germline.
Comment: Advanced modeling of protein sequence and biophysical properties (such as structural, functional, and spatial information, amino acid conservation, physicochemical variation, residue mobility, and thermodynamic stability) performed at Invitae indicates that this missense variant is expected to disrupt CRB1 protein function. In summary, the available evidence is currently insufficient to determine the role of this variant in disease. Therefore, it has been classified as a Variant of Uncertain Significance. This variant has not been reported in the literature in individuals affected with CRB1-related conditions. This variant is not present in population databases (gnomAD no frequency). This sequence change replaces cysteine, which is neutral and slightly polar, with tyrosine, which is neutral and polar, at codon 210 of the CRB1 protein (p.Cys210Tyr).

NM_201253.3(CRB1):c.629G>A (p.Cys210Tyr)

Gene: CRB1 (crumbs cell polarity complex component 1; plus strand). Cytogenetic location: 1q31.3.
Variant type: single nucleotide variant.
Coding change: c.629G>A on transcript NM_201253.3 (MANE Select); coding-DNA position 629, G replaced by A.
Protein change: p.Cys210Tyr; replaces cysteine 210 with tyrosine.
Molecular consequence: missense variant. On other transcripts: non-coding transcript variant (2).
Genome position (GRCh38, 1-based): chr1:197,328,980, G>A. VCF-style: chr1-197328980-G-A. GRCh37 (hg19) VCF-style: chr1-197298110-G-A.
Other names: c.629G>A, p.Cys210Tyr (NM_001193640.2, NM_001257966.2); c.422G>A, p.Cys141Tyr (NM_001257965.2); short protein forms C141Y, C210Y.
Identifiers: ClinVar variation 2101986 (VCV002101986.4), dbSNP rs972802394, ClinGen allele CA344081712.
Genomic context (GRCh38, chr1:197,328,980, plus strand): 5'-GTGCTTCAGATCCCTGCAAGAACGAGGCTACATGCCTCAATGAAATAGGAAGATATACTT[G>A]TATCTGTCCCCACAATTATTCTGGTAAGTGTGATCATATCTGAATCACAGATGGTGTAGT-3'
Protein context (NP_957705.1, residues 200-220): TCLNEIGRYT[Cys210Tyr]ICPHNYSGVN